The following is an entry in ClinVar:

NM_021614.4(KCNN2):c.485G>C (p.Ser162Thr)

Gene: KCNN2 (potassium calcium-activated channel subfamily N member 2; plus strand). Cytogenetic location: 5q22.3.
Variant type: single nucleotide variant.
Coding change: c.485G>C on transcript NM_021614.4 (MANE Select); coding-DNA position 485, G replaced by C.
Protein change: p.Ser162Thr; replaces serine 162 with threonine.
Molecular consequence: missense variant. On other transcripts: non-coding transcript variant (1).
Genome position (GRCh38, 1-based): chr5:114,362,624, G>C. VCF-style: chr5-114362624-G-C. GRCh37 (hg19) VCF-style: chr5-113698321-G-C.
Other names: c.683G>C, p.Ser228Thr (NM_001372233.1); short protein forms S162T, S228T.
Identifiers: ClinVar variation 2655644 (VCV002655644.24), dbSNP rs1561586662, ClinGen allele CA1574294139.

ClinVar aggregate classification (germline): Uncertain significance (1 of 4 stars; one submission).

Allele frequency attached by ClinVar (database versions not stated): TOPMed 0.00002.
gnomAD v4.1: 9 of 1,077,940 alleles (0.00083%); highest among the groups gnomAD compares: Non-Finnish European, 0.0012%; no homozygotes.

Submission:

CeGaT Center for Human Genetics Tuebingen
Classification: Uncertain significance. Last evaluated: 2023-08-01. Review status: criteria provided, single submitter. Criteria: CeGaT Center For Human Genetics Tuebingen Variant Classification Criteria Version 2. Collection method: clinical testing. Allele origin: germline. Affected: yes. Observed: 1 variant allele.
Comment: KCNN2: PM2